The following is an entry in ClinVar:

NM_000051.4(ATM):c.3609T>C (p.Tyr1203=)

Gene: ATM (ATM serine/threonine kinase; plus strand). Cytogenetic location: 11q22.3.
Variant type: single nucleotide variant.
Coding change: c.3609T>C on transcript NM_000051.4 (MANE Select); coding-DNA position 3609, T replaced by C.
Protein change: p.Tyr1203=; no amino-acid change (tyrosine 1203 retained).
Molecular consequence: synonymous variant.
Genome position (GRCh38, 1-based): chr11:108,282,742, T>C. VCF-style: chr11-108282742-T-C. GRCh37 (hg19) VCF-style: chr11-108153469-T-C.
Other names: c.3609T>C, p.Tyr1203= (NM_001351834.2).
Identifiers: ClinVar variation 1733184 (VCV001733184.6), dbSNP rs2546879056, ClinGen allele CA476673230.

ClinVar aggregate classification (germline): Benign/Likely benign. Review status: criteria provided, multiple submitters, no conflicts (2 of 4 stars). 3 submissions from 3 submitters: Benign (1); Likely benign (2). Last evaluated 2024-05-15.

Conditions:
Hereditary cancer-predisposing syndrome. Also called: Neoplastic Syndromes, Hereditary; Tumor predisposition; Hereditary Cancer Syndrome; Hereditary neoplastic syndrome. Identifiers: Orphanet 140162, MedGen C0027672, MeSH D009386, MONDO:0015356.
Familial cancer of breast. Also called: BREAST CANCER, FAMILIAL; Hereditary breast cancer; hereditary breast carcinoma. Identifiers: Orphanet 227535, MedGen C0346153, MONDO:0016419, OMIM 114480. Disease mechanism: loss of function.
Ataxia-telangiectasia syndrome (AT). Also called: LOUIS-BAR SYNDROME; Cerebello-oculocutaneous telangiectasia; Immunodeficiency with ataxia telangiectasia; Ataxia-telangiectasia, complementation group D; AT, COMPLEMENTATION GROUP C; ATAXIA-TELANGIECTASIA, COMPLEMENTATION GROUP A. Identifiers: Orphanet 100, MedGen C0004135, MONDO:0008840, OMIM 208900.

Allele frequency attached by ClinVar (database versions not stated): gnomAD exomes below 0.00001.
gnomAD v4.1: 1 of 1,613,524 alleles (0.000062%); highest among the groups gnomAD compares: Non-Finnish European, 0.000085%; no homozygotes.

Submissions (3):

Myriad Genetics, Inc.
Classification: Benign for Familial cancer of breast. Last evaluated: 2024-05-15. Review status: criteria provided, single submitter. Criteria: Myriad Autosomal Dominant, Autosomal Recessive and X-Linked Classification Criteria (2023). Collection method: clinical testing. Allele origin: unknown.
Comment: This variant is considered benign. This variant is a silent/synonymous amino acid change and it is not expected to impact splicing.

Labcorp Genetics (formerly Invitae), Labcorp
Classification: Likely benign for Ataxia-telangiectasia syndrome. Last evaluated: 2024-04-24. Review status: criteria provided, single submitter. Criteria: Invitae Variant Classification Sherloc (09022015). Collection method: clinical testing. Allele origin: germline.

Ambry Genetics
Classification: Likely benign for Hereditary cancer-predisposing syndrome. Last evaluated: 2022-04-06. Review status: criteria provided, single submitter. Criteria: Ambry Variant Classification Scheme 2023. Collection method: clinical testing. Allele origin: germline.